The following is an entry in ClinVar:

ClinVar aggregate classification (germline): Benign (1 of 4 stars; one submission).

gnomAD v4.1: 1,382 of 1,613,258 alleles (0.086%); highest among the groups gnomAD compares: African/African-American, 1.7%; 14 homozygotes.

Submission:

Women's Health and Genetics/Laboratory Corporation of America, LabCorp
Classification: Benign. Last evaluated: 2026-04-01. Review status: criteria provided, single submitter. Criteria: LabCorp Variant Classification Summary - May 2015. Collection method: clinical testing. Allele origin: germline.
Comment: Variant summary: IKBKB c.-13G>A is located in the untranslated mRNA region upstream of the initiation codon. The variant allele was found at a frequency of 0.0011 in 250518 control chromosomes, predominantly at a frequency of 0.016 within the African or African-American subpopulation in the gnomAD database, including 3 homozygotes. The observed variant frequency within African or African-American control individuals in the gnomAD database exceeds the estimated maximal expected allele frequency for disease-causing variants in IKBKB. To our knowledge, no occurrence of c.-13G>A in individuals affected with IKBKB-related conditions and no experimental evidence demonstrating its impact on protein function have been reported. No submitters have cited clinical-significance assessments for this variant to ClinVar. Based on the evidence outlined above, the variant was classified as benign.

NM_001556.3(IKBKB):c.-13G>A

Gene: IKBKB (inhibitor of nuclear factor kappa B kinase subunit beta; plus strand). Cytogenetic location: 8p11.21.
Variant type: single nucleotide variant.
Coding change: c.-13G>A on transcript NM_001556.3 (MANE Select); 13 bases upstream of the start codon, G replaced by A.
Molecular consequence: 5 prime UTR variant. On other transcripts: non-coding transcript variant (3), intron variant (1).
Genome position (GRCh38, 1-based): chr8:42,272,088, G>A. VCF-style: chr8-42272088-G-A. GRCh37 (hg19) VCF-style: chr8-42129606-G-A.
Other names: c.-95G>A (NM_001242778.2); c.-88+619G>A (NM_001190720.3).
Identifiers: ClinVar variation 4848992 (VCV004848992.1).